The following is an entry in ClinVar:

NM_205834.4(LSR):c.68C>A (p.Ala23Glu)

Gene: LSR (lipolysis stimulated lipoprotein receptor; plus strand). Cytogenetic location: 19q13.12.
Variant type: single nucleotide variant.
Coding change: c.68C>A on transcript NM_205834.4 (MANE Select); coding-DNA position 68, C replaced by A.
Protein change: p.Ala23Glu; replaces alanine 23 with glutamic acid.
Molecular consequence: missense variant.
Genome position (GRCh38, 1-based): chr19:35,249,090, C>A. VCF-style: chr19-35249090-C-A. GRCh37 (hg19) VCF-style: chr19-35739993-C-A.
Other names: c.68C>A, p.Ala23Glu (NM_001260489.2, NM_001260490.2, NM_001385215.1 and 2 more transcripts); c.212C>A (NM_205834.2); short protein forms A23E.
Identifiers: ClinVar variation 2070372 (VCV002070372.5), dbSNP rs1009148027, ClinGen allele CA307712731.
Genomic context (GRCh38, chr19:35,249,090, plus strand): 5'-TGTTGGCCGGCGGGCTCTCCAGAGGGCTGGGCTCCCACCCGGCCGCCGCAGGCCGGGACG[C>A]GGTCGTCTTCGTGTGGCTTCTGCTTAGCACCTGGTGCACAGGTACGGGGCACGGGGCCTC-3'
Protein context (NP_991403.2, residues 13-33): GSHPAAAGRD[Ala23Glu]VVFVWLLLST

ClinVar aggregate classification (germline): Uncertain significance. Review status: criteria provided, multiple submitters, no conflicts (2 of 4 stars). 2 submissions from 2 submitters: Uncertain significance (2). Last evaluated 2025-05-28.

Allele frequency attached by ClinVar (database versions not stated): gnomAD 0.00003; TOPMed 0.00003.
gnomAD v4.1: 9 of 1,554,688 alleles (0.00058%); highest among the groups gnomAD compares: African/African-American, 0.0096%; no homozygotes.

Submissions (2):

Ambry Genetics
Classification: Uncertain significance. Last evaluated: 2025-05-28. Review status: criteria provided, single submitter. Criteria: Ambry Variant Classification Scheme 2023. Collection method: clinical testing. Allele origin: germline.

Labcorp Genetics (formerly Invitae), Labcorp
Classification: Uncertain significance. Last evaluated: 2022-10-14. Review status: criteria provided, single submitter. Criteria: Invitae Variant Classification Sherloc (09022015). Collection method: clinical testing. Allele origin: germline.
Comment: This sequence change replaces alanine, which is neutral and non-polar, with glutamic acid, which is acidic and polar, at codon 71 of the LSR protein (p.Ala71Glu). This variant is present in population databases (no rsID available, gnomAD 0.01%). This variant has not been reported in the literature in individuals affected with LSR-related conditions. Algorithms developed to predict the effect of missense changes on protein structure and function are either unavailable or do not agree on the potential impact of this missense change (SIFT: "Tolerated"; PolyPhen-2: "Possibly Damaging"; Align-GVGD: "Class C0"). In summary, the available evidence is currently insufficient to determine the role of this variant in disease. Therefore, it has been classified as a Variant of Uncertain Significance.